The following is an entry in ClinVar:

ClinVar aggregate classification (germline): Pathogenic (1 of 4 stars; one submission).

Conditions:
Autosomal recessive spinocerebellar ataxia 12. Also called: SPINOCEREBELLAR ATAXIA WITH MENTAL RETARDATION AND EPILEPSY. Identifiers: Orphanet 284282, MedGen C3280452, MONDO:0013687, OMIM 614322.
Developmental and epileptic encephalopathy, 1 (DEE1). Also called: Epileptic encephalopathy, early infantile, 1; X-linked infantile spasms; West's syndrome; Tonic spasms with clustering, arrest of psychomotor development and hypsarrhythmia on EEG; X-Linked Infantile Spasm Syndrome; OHTAHARA SYNDROME, X-LINKED. Identifiers: MedGen C3463992, MONDO:0010632, OMIM 308350. Disease mechanism: loss of function.

Submission:

Labcorp Genetics (formerly Invitae), Labcorp
Classification: Pathogenic for Developmental and epileptic encephalopathy, 1; Autosomal recessive spinocerebellar ataxia 12. Last evaluated: 2020-09-30. Review status: criteria provided, single submitter. Criteria: Invitae Variant Classification Sherloc (09022015). Collection method: clinical testing. Allele origin: germline.
Comment: This variant is a gross deletion of the genomic region encompassing exons 1-8 of the WWOX gene, which includes the initiator codon. The 5' end of this event is unknown as it extends beyond the assayed region for this gene and therefore may encompass additional genes. The 3' boundary is likely confined to intron 8 of the WWOX gene. This is expected to result in an absent or disrupted protein product. This variant has not been reported in the literature in individuals with WWOX-related conditions. Loss-of-function variants in WWOX are known to be pathogenic (PMID: 24456803, 25411445). For these reasons, this variant has been classified as Pathogenic.

Literature cited by the submitters: PubMed 24456803; PubMed 25411445.

NC_000016.10:g.(?_78099759)_(78432772_?)del

Gene: WWOX (WW domain containing oxidoreductase; plus strand). Cytogenetic location: 16q23.1.
Variant type: Deletion.
Identifiers: ClinVar variation 832849 (VCV000832849.6).